The following is an entry in ClinVar:

ClinVar aggregate classification (germline): Benign (1 of 4 stars; one submission).

Conditions:
Familial cancer of breast. Also called: Hereditary breast cancer; hereditary breast carcinoma; BREAST CANCER, FAMILIAL. Identifiers: Orphanet 227535, MedGen C0346153, MONDO:0016419, OMIM 114480. Disease mechanism: loss of function.

Submission:

Myriad Genetics, Inc.
Classification: Benign for Familial cancer of breast. Last evaluated: 2025-01-16. Review status: criteria provided, single submitter. Criteria: Myriad Autosomal Dominant, Autosomal Recessive and X-Linked Classification Criteria (2023). Collection method: clinical testing. Allele origin: unknown.
Comment: This variant is considered benign. This variant is a silent/synonymous amino acid change and it is not expected to impact splicing.

NM_024675.4(PALB2):c.2379C>A (p.Gly793=)

Gene: PALB2 (partner and localizer of BRCA2; minus strand). Cytogenetic location: 16p12.2.
Variant type: single nucleotide variant.
Coding change: c.2379C>A on transcript NM_024675.4 (MANE Select); coding-DNA position 2379, C replaced by A.
Protein change: p.Gly793=; no amino-acid change (glycine 793 retained).
Molecular consequence: synonymous variant. On other transcripts: intron variant (1).
Genome position (GRCh38, 1-based): chr16:23,629,775, G>T on the plus strand (C>A on the coding strand, the complement: PALB2 is on the minus strand). VCF-style: chr16-23629775-G-T. GRCh37 (hg19) VCF-style: chr16-23641096-G-T.
Other names: c.2319C>A, p.Gly773= (NM_001407296.1); c.2379C>A, p.Gly793= (NM_001407297.1, NM_001407298.1, NM_001407299.1 and 3 more transcripts); c.1494C>A, p.Gly498= (NM_001407304.1, NM_001407305.1, NM_001407306.1 and 5 more transcripts); c.591C>A, p.Gly197= (NM_001407312.1, NM_001407313.1); c.49-500C>A (NM_001407314.1).
Identifiers: ClinVar variation 3904249 (VCV003904249.1).
Genomic context (GRCh38, chr16:23,629,775, plus strand): 5'-AATGGGTGGAGGTGTTCCTGGCGGGACAGAGTCACAGTCACAGGTAGGTTGTCCTTGCCT[G>T]CCTGACACTTGCAGGGTGGTATGTGGTTTTGCTGGGCTGCCTGAACTGTCGAATTGTTTA-3'
Protein context (NP_078951.2, residues 783-803): AKPHTTLQVS[Gly793=]RQGQPTCDCD